The following is an entry in ClinVar:

ClinVar aggregate classification (germline): Conflicting classifications of pathogenicity. Review status: criteria provided, conflicting classifications (1 of 4 stars). 9 submissions from 9 submitters: Uncertain significance (4); Benign (3); Likely benign (1). 1 of the submissions does not count toward it. Last evaluated 2025-12-06.

Conditions:
Myopathy, proximal, and ophthalmoplegia (CMYO6). Also called: INCLUSION BODY MYOPATHY 3, AUTOSOMAL DOMINANT; CONGENITAL MYOPATHY 6 WITH OPHTHALMOPLEGIA; MYOPATHY WITH CONGENITAL JOINT CONTRACTURES, OPHTHALMOPLEGIA, AND RIMMED VACUOLES. Identifiers: Orphanet 363677, Orphanet 79091, MedGen C1854106, MONDO:0011577, OMIM 605637.

Allele frequency attached by ClinVar (database versions not stated): gnomAD 0.00034 and 0.00049; gnomAD exomes 0.00035 and 0.00075; TOPMed 0.00048; ExAC 0.00081; 1000 Genomes Project 30x 0.00172; 1000 Genomes Project 0.00200.
gnomAD v4.1: 641 of 1,613,884 alleles (0.04%); highest among the groups gnomAD compares: East Asian, 1.3%; 5 homozygotes.

Submissions (9):

Labcorp Genetics (formerly Invitae), Labcorp
Classification: Benign for Myopathy, proximal, and ophthalmoplegia. Last evaluated: 2025-12-06. Review status: criteria provided, single submitter. Criteria: Invitae Variant Classification Sherloc (09022015). Collection method: clinical testing. Allele origin: germline.

Blueprint Genetics
Classification: Likely benign. Last evaluated: 2024-11-27. Review status: criteria provided, single submitter. Criteria: ACMG Guidelines, 2015. Collection method: clinical testing. Allele origin: germline.

Mayo Clinic Laboratories, Mayo Clinic
Classification: Uncertain significance. Last evaluated: 2024-01-11. Review status: criteria provided, single submitter. Criteria: ACMG Guidelines, 2015. Collection method: clinical testing. Allele origin: germline. Observed: 1 variant allele.
Comment: BS1

Department of Pathology and Laboratory Medicine, Sinai Health System
Classification: Uncertain significance for Myopathy, proximal, and ophthalmoplegia. Last evaluated: 2021-07-30. Review status: criteria provided, single submitter. Criteria: ACMG Guidelines, 2015. Collection method: research. Allele origin: germline.

GeneDx
Classification: Benign. Last evaluated: 2019-08-29. Review status: criteria provided, single submitter. Criteria: GeneDx Variant Classification Process June 2021. Collection method: clinical testing. Allele origin: germline. Affected: yes.
Comment: This variant is associated with the following publications: (PMID: 22349865, 27066573)

Mendelics
Classification: Uncertain significance for Myopathy, proximal, and ophthalmoplegia. Last evaluated: 2019-05-28. Review status: criteria provided, single submitter. Criteria: Mendelics Assertion Criteria 2017. Collection method: clinical testing. Allele origin: unknown.

Illumina Laboratory Services, Illumina
Classification: Benign for Myopathy, proximal, and ophthalmoplegia. Last evaluated: 2017-04-27. Review status: criteria provided, single submitter. Criteria: ICSL Variant Classification Criteria 13 December 2019. Collection method: clinical testing. Allele origin: germline.
Comment: This variant was observed as part of a predisposition screen in an ostensibly healthy population. A literature search was performed for the gene, cDNA change, and amino acid change (where applicable). Publications were found based on this search. The evidence from the literature, in combination with allele frequency data from public databases where available, was sufficient to rule this variant out of causing disease. Therefore, this variant is classified as benign.

Laboratory for Molecular Medicine, Mass General Brigham Personalized Medicine
Classification: Uncertain significance. Last evaluated: 2016-03-29. Review status: criteria provided, single submitter. Criteria: LMM Criteria. Collection method: clinical testing. Allele origin: germline.
Comment: Variant identified in a genome or exome case(s) and assessed due to predicted null impact of the variant or pathogenic assertions in the literature or databases. Disclaimer: This variant has not undergone full assessment. The following are preliminary notes: 1.1% East Asian ExAC, 2 homozygotes, not in ClinVar. Cai 2011 reported the variant in 3/21 Jpanese patients with inclusion body myositis. Clinical features of IBM include adult-onset weakness of proximal or distal muscle and normal or slightly elevated serum creatine kinase (CK) level. This variant has not been associated with myopathy ith external ophthalmoplegia. Therefore, despite of the classification of the variant, I do not think the disease meets criteria for reporting in BabySeq.

Soonchunhyang University Bucheon Hospital, Soonchunhyang University Medical Center
Classification: Likely pathogenic for Myopathy, proximal, and ophthalmoplegia. Last evaluated: 2016-03-18. Review status: flagged submission. Criteria: ACMG Guidelines, 2015. Collection method: reference population. Allele origin: germline. Observed: 1 variant allele. Not counted in ClinVar's aggregate classification.
ClinVar note: Reason: Outlier claim with insufficient supporting evidence

Literature cited by the submitters: PubMed 22349865 (cited by 3 submitters); PubMed 24948216 (cited by Mayo Clinic Laboratories, Mayo Clinic); PubMed 25399751 (cited by Mayo Clinic Laboratories, Mayo Clinic); PubMed 27066573 (cited by Mayo Clinic Laboratories, Mayo Clinic).

NM_017534.6(MYH2):c.2414T>C (p.Val805Ala)

Genes: MYH2 (myosin heavy chain 2; minus strand), MYHAS (myosin heavy chain gene cluster antisense RNA; plus strand). Cytogenetic location: 17p13.1.
Variant type: single nucleotide variant.
Coding change: c.2414T>C on transcript NM_017534.6 (MANE Select); coding-DNA position 2414, T replaced by C.
Protein change: p.Val805Ala; replaces valine 805 with alanine.
Molecular consequence: missense variant.
Genome position (GRCh38, 1-based): chr17:10,533,312, A>G on the plus strand (T>C on the coding strand, the complement: MYH2 is on the minus strand). VCF-style: chr17-10533312-A-G. GRCh37 (hg19) VCF-style: chr17-10436629-A-G.
Other names: c.2414T>C, p.Val805Ala (NM_001100112.2); short protein forms V805A.
Identifiers: ClinVar variation 225415 (VCV000225415.28), dbSNP rs200662973, ClinGen allele CA8391132.